The following is an entry in ClinVar:

NM_000393.5(COL5A2):c.1006-8G>A

Gene: COL5A2 (collagen type V alpha 2 chain; minus strand). Cytogenetic location: 2q32.2.
Variant type: single nucleotide variant.
Coding change: c.1006-8G>A on transcript NM_000393.5 (MANE Select); 8 bases into the intron before coding-DNA position 1006, G replaced by A.
Molecular consequence: intron variant.
Genome position (GRCh38, 1-based): chr2:189,078,577, C>T on the plus strand (G>A on the coding strand, the complement: COL5A2 is on the minus strand). VCF-style: chr2-189078577-C-T. GRCh37 (hg19) VCF-style: chr2-189943303-C-T.
Identifiers: ClinVar variation 487465 (VCV000487465.33), dbSNP rs200405052, ClinGen allele CA62563122.

ClinVar aggregate classification (germline): Conflicting classifications of pathogenicity. Review status: criteria provided, conflicting classifications (1 of 4 stars). 5 submissions from 5 submitters: Uncertain significance (2); Likely benign (3). Last evaluated 2025-11-04.

Conditions:
Ehlers-Danlos syndrome, classic type, 1 (EDSCL1). Also called: EDS I; Ehlers-Danlos syndrome, type 1; Ehlers-Danlos Syndrome, Classic Type, COL5A1-Related; EHLERS-DANLOS SYNDROME, GRAVIS TYPE; EHLERS-DANLOS SYNDROME, SEVERE CLASSIC TYPE. Identifiers: MedGen C0268335, MONDO:0019567, OMIM 130000.
Ehlers-Danlos syndrome, classic type (cEDS). Identifiers: Orphanet 287, MedGen C4225429, MONDO:0007522.

Allele frequency attached by ClinVar (database versions not stated): 1000 Genomes Project below 0.00001; gnomAD exomes 0.00001 and 0.00002; gnomAD 0.00003; TOPMed 0.00003.
gnomAD v4.1: 35 of 1,610,796 alleles (0.0022%); highest among the groups gnomAD compares: Middle Eastern, 0.033%; no homozygotes.

Submissions (5):

Women's Health and Genetics/Laboratory Corporation of America, LabCorp
Classification: Likely benign. Last evaluated: 2025-11-04. Review status: criteria provided, single submitter. Criteria: LabCorp Variant Classification Summary - May 2015. Collection method: clinical testing. Allele origin: germline.

CeGaT Center for Human Genetics Tuebingen
Classification: Uncertain significance. Last evaluated: 2025-09-01. Review status: criteria provided, single submitter. Criteria: CeGaT Center For Human Genetics Tuebingen Variant Classification Criteria Version 2. Collection method: clinical testing. Allele origin: germline. Affected: yes. Observed: 2 variant alleles.
Comment: COL5A2: PM2:Supporting, BP4

Labcorp Genetics (formerly Invitae), Labcorp
Classification: Likely benign for Ehlers-Danlos syndrome, classic type, 1. Last evaluated: 2024-11-11. Review status: criteria provided, single submitter. Criteria: Invitae Variant Classification Sherloc (09022015). Collection method: clinical testing. Allele origin: germline.

GeneDx
Classification: Likely benign. Last evaluated: 2018-03-26. Review status: criteria provided, single submitter. Criteria: GeneDx Variant Classification (06012015). Collection method: clinical testing. Allele origin: germline. Affected: yes.
Comment: This variant is considered likely benign or benign based on one or more of the following criteria: it is a conservative change, it occurs at a poorly conserved position in the protein, it is predicted to be benign by multiple in silico algorithms, and/or has population frequency not consistent with disease.

Center for Genomics, Ann and Robert H. Lurie Children's Hospital of Chicago
Classification: Uncertain significance for Ehlers-Danlos syndrome, classic type, 1. Last evaluated: 2017-08-01. Review status: criteria provided, single submitter. Criteria: ACMG Guidelines, 2015. Collection method: clinical testing. Allele origin: germline.
Comment: COL5A2 NM_000393.3 (c.1006-8G>A): This variant has not been reported in the literature. This variant is present in 2/246126 individuals of different ethnicities in the Genome Aggregation Database. Evolutionary conservation and computational predictive tools for this variant are limited or unavailable. In summary, data on this variant is insufficient for disease classification. This variant is an intronic variant with no predicted change in the amino acid sequence but may have an unknown effect on splicing. Further studies are needed to understand its impact. Therefore, the clinical significance of this variant is uncertain.